The following is an entry in ClinVar:

NM_012193.4(FZD4):c.1570A>G (p.Asn524Asp)

Genes: FZD4 (frizzled class receptor 4; minus strand), PRSS23 (serine protease 23; plus strand). Cytogenetic location: 11q14.2.
Variant type: single nucleotide variant.
Coding change: c.1570A>G on transcript NM_012193.4 (MANE Select); coding-DNA position 1570, A replaced by G.
Protein change: p.Asn524Asp; replaces asparagine 524 with aspartic acid.
Molecular consequence: missense variant.
Genome position (GRCh38, 1-based): chr11:86,951,186, T>C on the plus strand (A>G on the coding strand, the complement: FZD4 is on the minus strand). VCF-style: chr11-86951186-T-C. GRCh37 (hg19) VCF-style: chr11-86662228-T-C.
Other names: short protein forms N524D.
Identifiers: ClinVar variation 2713758 (VCV002713758.3), dbSNP rs148448468, ClinGen allele CA6218294.
Genomic context (GRCh38, chr11:86,951,186, plus strand): 5'-TGGAGGCTGACTAGCCTTATACCACAGTCTCACTGCCTTTTCCAGGCTTCACCCAACCAT[T>C]TCCTCTCTTCTCTCTCTTTACCTTTCCAGAATTCACCAATCTGTTGGAACACTTCTGCCA-3'
Protein context (NP_036325.2, residues 514-534): SGKVKREKRG[Asn524Asp]GWVKPGKGSE

ClinVar aggregate classification (germline): Uncertain significance (1 of 4 stars; one submission).

Allele frequency attached by ClinVar (database versions not stated): gnomAD exomes below 0.00001; ExAC 0.00001; gnomAD 0.00001; TOPMed 0.00002.
gnomAD v4.1: 7 of 1,613,856 alleles (0.00043%); highest among the groups gnomAD compares: African/African-American, 0.008%; no homozygotes.

Submission:

Labcorp Genetics (formerly Invitae), Labcorp
Classification: Uncertain significance. Last evaluated: 2023-07-20. Review status: criteria provided, single submitter. Criteria: Invitae Variant Classification Sherloc (09022015). Collection method: clinical testing. Allele origin: germline.
Comment: This variant has not been reported in the literature in individuals affected with FZD4-related conditions. In summary, the available evidence is currently insufficient to determine the role of this variant in disease. Therefore, it has been classified as a Variant of Uncertain Significance. Advanced modeling of protein sequence and biophysical properties (such as structural, functional, and spatial information, amino acid conservation, physicochemical variation, residue mobility, and thermodynamic stability) performed at Invitae indicates that this missense variant is not expected to disrupt FZD4 protein function. This variant is present in population databases (rs148448468, gnomAD 0.01%). This sequence change replaces asparagine, which is neutral and polar, with aspartic acid, which is acidic and polar, at codon 524 of the FZD4 protein (p.Asn524Asp).